The following is an entry in ClinVar:

NM_006231.4(POLE):c.4331T>A (p.Val1444Glu)

Gene: POLE (DNA polymerase epsilon, catalytic subunit; minus strand). Cytogenetic location: 12q24.33.
Variant type: single nucleotide variant.
Coding change: c.4331T>A on transcript NM_006231.4 (MANE Select); coding-DNA position 4331, T replaced by A.
Protein change: p.Val1444Glu; replaces valine 1444 with glutamic acid.
Molecular consequence: missense variant.
Genome position (GRCh38, 1-based): chr12:132,643,520, A>T on the plus strand (T>A on the coding strand, the complement: POLE is on the minus strand). VCF-style: chr12-132643520-A-T. GRCh37 (hg19) VCF-style: chr12-133220106-A-T.
Other names: short protein forms V1444E.
Identifiers: ClinVar variation 3626894 (VCV003626894.2).

ClinVar aggregate classification (germline): Uncertain significance (1 of 4 stars; one submission).

Submission:

Labcorp Genetics (formerly Invitae), Labcorp
Classification: Uncertain significance. Last evaluated: 2024-09-26. Review status: criteria provided, single submitter. Criteria: Invitae Variant Classification Sherloc (09022015). Collection method: clinical testing. Allele origin: germline.
Comment: This sequence change replaces valine, which is neutral and non-polar, with glutamic acid, which is acidic and polar, at codon 1444 of the POLE protein (p.Val1444Glu). This variant is present in population databases (rs767189495, gnomAD 0.003%). This variant has not been reported in the literature in individuals affected with POLE-related conditions. Invitae Evidence Modeling of protein sequence and biophysical properties (such as structural, functional, and spatial information, amino acid conservation, physicochemical variation, residue mobility, and thermodynamic stability) has been performed for this missense variant. However, the output from this modeling did not meet the statistical confidence thresholds required to predict the impact of this variant on POLE protein function. In summary, the available evidence is currently insufficient to determine the role of this variant in disease. Therefore, it has been classified as a Variant of Uncertain Significance.